The following is an entry in ClinVar:

ClinVar aggregate classification (germline): Uncertain significance. Review status: criteria provided, multiple submitters, no conflicts (2 of 4 stars). 2 submissions from 2 submitters: Uncertain significance (2). Last evaluated 2024-03-07.

Conditions:
Inborn genetic diseases. Identifiers: MedGen C0950123, MeSH D030342.

Allele frequency attached by ClinVar (database versions not stated): ExAC 0.00001.
gnomAD v4.1: 1 of 1,611,066 alleles (0.000062%); highest among the groups gnomAD compares: Non-Finnish European, 0.000085%; no homozygotes.

Submissions (2):

Ambry Genetics
Classification: Uncertain significance for Inborn genetic diseases. Last evaluated: 2024-03-07. Review status: criteria provided, single submitter. Criteria: Ambry Variant Classification Scheme 2023. Collection method: clinical testing. Allele origin: germline.

Labcorp Genetics (formerly Invitae), Labcorp
Classification: Uncertain significance. Last evaluated: 2022-04-23. Review status: criteria provided, single submitter. Criteria: Invitae Variant Classification Sherloc (09022015). Collection method: clinical testing. Allele origin: germline.
Comment: This sequence change replaces glutamine, which is neutral and polar, with glutamic acid, which is acidic and polar, at codon 253 of the TONSL protein (p.Gln253Glu). This variant is present in population databases (rs781412942, gnomAD 0.0009%). This variant has not been reported in the literature in individuals affected with TONSL-related conditions. Algorithms developed to predict the effect of missense changes on protein structure and function are either unavailable or do not agree on the potential impact of this missense change (SIFT: "Tolerated"; PolyPhen-2: "Possibly Damaging"; Align-GVGD: "Class C0"). In summary, the available evidence is currently insufficient to determine the role of this variant in disease. Therefore, it has been classified as a Variant of Uncertain Significance.

NM_013432.5(TONSL):c.757C>G (p.Gln253Glu)

Gene: TONSL (tonsoku like, DNA repair protein; minus strand). Cytogenetic location: 8q24.3.
Variant type: single nucleotide variant.
Coding change: c.757C>G on transcript NM_013432.5 (MANE Select); coding-DNA position 757, C replaced by G.
Protein change: p.Gln253Glu; replaces glutamine 253 with glutamic acid.
Molecular consequence: missense variant.
Genome position (GRCh38, 1-based): chr8:144,442,145, G>C on the plus strand (C>G on the coding strand, the complement: TONSL is on the minus strand). VCF-style: chr8-144442145-G-C. GRCh37 (hg19) VCF-style: chr8-145667528-G-C.
Other names: c.757C>G (NM_013432.4); short protein forms Q253E.
Identifiers: ClinVar variation 1920313 (VCV001920313.6), dbSNP rs781412942, ClinGen allele CA4943500.